The following is an entry in ClinVar:

ClinVar aggregate classification (germline): Pathogenic (1 of 4 stars; one submission).

Submission:

Labcorp Genetics (formerly Invitae), Labcorp
Classification: Pathogenic. Last evaluated: 2022-07-12. Review status: criteria provided, single submitter. Criteria: Invitae Variant Classification Sherloc (09022015). Collection method: clinical testing. Allele origin: germline.
Comment: For these reasons, this variant has been classified as Pathogenic. ClinVar contains an entry for this variant (Variation ID: 1388450). This variant has not been reported in the literature in individuals affected with USH2A-related conditions. This variant is not present in population databases (gnomAD no frequency). This sequence change creates a premature translational stop signal (p.Tyr3565Phefs*16) in the USH2A gene. It is expected to result in an absent or disrupted protein product. Loss-of-function variants in USH2A are known to be pathogenic (PMID: 10729113, 10909849, 20507924, 25649381).

Literature cited by the submitters: PubMed 10729113; PubMed 10909849; PubMed 20507924; PubMed 25649381.

NM_206933.4(USH2A):c.10690_10693dup (p.Tyr3565fs)

Gene: USH2A (usherin; minus strand). Cytogenetic location: 1q41.
Variant type: Duplication.
Coding change: c.10690_10693dup on transcript NM_206933.4 (MANE Select); coding-DNA positions 10690 to 10693, 4 bases duplicated (TCAT; older notation c.10690_10693dupTCAT).
Protein change: p.Tyr3565fs; shifts the reading frame from tyrosine 3565.
Molecular consequence: frameshift variant.
Genome position (GRCh38, 1-based): chr1:215,782,089-215,782,092, ATGA duplicated on the plus strand (TCAT on the coding strand, the reverse complement: USH2A is on the minus strand); duplicating any 4 consecutive bases within chr1:215,782,089-215,782,094 gives the same sequence; the c. name uses the placement nearest the transcript's 3' end. VCF-style (leftmost placement, unchanged base first): chr1-215782088-T-TATGA. GRCh37 (hg19) VCF-style: chr1-215955430-T-TATGA.
Other names: short protein forms Y3565fs.
Identifiers: ClinVar variation 1388450 (VCV001388450.6), dbSNP rs2102762663, ClinGen allele CA2573131578.